The following is an entry in ClinVar:

ClinVar aggregate classification (germline): Likely benign. Review status: criteria provided, multiple submitters, no conflicts (2 of 4 stars). 2 submissions from 2 submitters: Likely benign (2). Last evaluated 2025-12-03.

Conditions:
RAI1-related disorder. Also called: RAI1-related condition.

gnomAD v4.1: 1 of 1,613,916 alleles (0.000062%); highest among the groups gnomAD compares: Non-Finnish European, 0.000085%; no homozygotes.

Submissions (2):

Labcorp Genetics (formerly Invitae), Labcorp
Classification: Likely benign. Last evaluated: 2025-12-03. Review status: criteria provided, single submitter. Criteria: Invitae Variant Classification Sherloc (09022015). Collection method: clinical testing. Allele origin: germline.

PreventionGenetics, part of Exact Sciences
Classification: Likely benign for RAI1-related condition. Last evaluated: 2025-10-15. Review status: criteria provided, single submitter. Criteria: ACMG Guidelines, 2015. Collection method: clinical testing. Allele origin: germline.
Comment: This variant is classified as likely benign based on ACMG/AMP sequence variant interpretation guidelines (Richards et al. 2015 PMID: 25741868, with internal and published modifications).

NM_030665.4(RAI1):c.4080C>G (p.Ser1360=)

Gene: RAI1 (retinoic acid induced 1; plus strand). Cytogenetic location: 17p11.2.
Variant type: single nucleotide variant.
Coding change: c.4080C>G on transcript NM_030665.4 (MANE Select); coding-DNA position 4080, C replaced by G.
Protein change: p.Ser1360=; no amino-acid change (serine 1360 retained).
Molecular consequence: synonymous variant.
Genome position (GRCh38, 1-based): chr17:17,797,028, C>G. VCF-style: chr17-17797028-C-G. GRCh37 (hg19) VCF-style: chr17-17700342-C-G.
Other names: c.4080C>G (NM_030665.3).
Identifiers: ClinVar variation 4716741 (VCV004716741.2).
Genomic context (GRCh38, chr17:17,797,028, plus strand): 5'-CCTCAAGAAGTTCGCATGTAAAGCGCCAGGGGCCTCTCCTGGTAATCCTCTGAGCCCATC[C>G]CTTTCCGACAAAGACCGTGGGCTCAAGGGTGCTGGGGGCAGCCCAGTGGGGGTGGAAGAA-3'
Protein context (NP_109590.3, residues 1350-1370): GASPGNPLSP[Ser1360=]LSDKDRGLKG